The following is an entry in ClinVar:

NM_052947.4(ALPK2):c.2770A>G (p.Thr924Ala)

Gene: ALPK2 (alpha kinase 2; minus strand). Cytogenetic location: 18q21.31.
Variant type: single nucleotide variant.
Coding change: c.2770A>G on transcript NM_052947.4 (MANE Select); coding-DNA position 2770, A replaced by G.
Protein change: p.Thr924Ala; replaces threonine 924 with alanine.
Molecular consequence: missense variant.
Genome position (GRCh38, 1-based): chr18:58,537,417, T>C on the plus strand (A>G on the coding strand, the complement: ALPK2 is on the minus strand). VCF-style: chr18-58537417-T-C. GRCh37 (hg19) VCF-style: chr18-56204649-T-C.
Other names: short protein forms T924A.
Identifiers: ClinVar variation 3228648 (VCV003228648.1), dbSNP rs1602207398, ClinGen allele CA402569819.
Genomic context (GRCh38, chr18:58,537,417, plus strand): 5'-GTGTTTCATCAAGCCCTCCTGAGTTGCTGGGGCTTGGCTGCTCCTGGCCAGCATGTACTG[T>C]GGAGGCCAGTGGGTAGGTGGAATTCTCCACCTTGGCTAGATTTTCTCCTGTGGCACCTTC-3'
Protein context (NP_443179.3, residues 914-934): VENSTYPLAS[Thr924Ala]VHAGQEQPSP

ClinVar aggregate classification (germline): Uncertain significance (1 of 4 stars; one submission).

Allele frequency attached by ClinVar (database versions not stated): gnomAD exomes below 0.00001; TOPMed below 0.00001.
gnomAD v4.1: 1 of 1,613,544 alleles (0.000062%); highest among the groups gnomAD compares: East Asian, 0.0022%; no homozygotes.

Submission:

Ambry Genetics
Classification: Uncertain significance. Last evaluated: 2024-01-11. Review status: criteria provided, single submitter. Criteria: Ambry Variant Classification Scheme 2023. Collection method: clinical testing. Allele origin: germline.
Comment: The p.T924A variant (also known as c.2770A>G), located in coding exon 4 of the ALPK2 gene, results from an A to G substitution at nucleotide position 2770. The threonine at codon 924 is replaced by alanine, an amino acid with similar properties. This amino acid position is conserved. In addition, this alteration is predicted to be tolerated by in silico analysis. Since supporting evidence is limited at this time, the clinical significance of this alteration remains unclear.